The following is an entry in ClinVar:

ClinVar aggregate classification (germline): Uncertain significance (1 of 4 stars; one submission).

Conditions:
Bloom syndrome (BLM). Also called: Bloom-Torre-Machacek syndrome. Identifiers: Orphanet 125, MedGen C0005859, MONDO:0008876, OMIM 210900.

Submission:

Labcorp Genetics (formerly Invitae), Labcorp
Classification: Uncertain significance for Bloom syndrome. Last evaluated: 2022-10-15. Review status: criteria provided, single submitter. Criteria: Invitae Variant Classification Sherloc (09022015). Collection method: clinical testing. Allele origin: germline.
Comment: In summary, the available evidence is currently insufficient to determine the role of this variant in disease. Therefore, it has been classified as a Variant of Uncertain Significance. Advanced modeling of protein sequence and biophysical properties (such as structural, functional, and spatial information, amino acid conservation, physicochemical variation, residue mobility, and thermodynamic stability) performed at Invitae indicates that this missense variant is not expected to disrupt BLM protein function. This variant has not been reported in the literature in individuals affected with BLM-related conditions. This variant is not present in population databases (gnomAD no frequency). This sequence change replaces serine, which is neutral and polar, with alanine, which is neutral and non-polar, at codon 1286 of the BLM protein (p.Ser1286Ala).

NM_000057.4(BLM):c.3856T>G (p.Ser1286Ala)

Gene: BLM (BLM RecQ like helicase; plus strand). Cytogenetic location: 15q26.1.
Variant type: single nucleotide variant.
Coding change: c.3856T>G on transcript NM_000057.4 (MANE Select); coding-DNA position 3856, T replaced by G.
Protein change: p.Ser1286Ala; replaces serine 1286 with alanine.
Molecular consequence: missense variant.
Genome position (GRCh38, 1-based): chr15:90,809,241, T>G. VCF-style: chr15-90809241-T-G. GRCh37 (hg19) VCF-style: chr15-91352471-T-G.
Other names: c.3856T>G, p.Ser1286Ala (NM_001287246.2); c.3463T>G, p.Ser1155Ala (NM_001287247.2); c.2731T>G, p.Ser911Ala (NM_001287248.2); short protein forms S1155A, S1286A, S911A.
Identifiers: ClinVar variation 1721672 (VCV001721672.6), dbSNP rs1897350617, ClinGen allele CA393849813.